The following is an entry in ClinVar:

ClinVar aggregate classification (germline): Pathogenic (1 of 4 stars; one submission).

Conditions:
Coffin-Siris syndrome 10. Also called: INTELLECTUAL DEVELOPMENTAL DISORDER WITH SPEECH DELAY AND DYSMORPHIC FACIES. Identifiers: MedGen C4760583, MONDO:0032791, OMIM 618506.

Submission:

Victorian Clinical Genetics Services, Murdoch Childrens Research Institute
Classification: Pathogenic for Coffin-Siris syndrome 10. Last evaluated: 2023-07-17. Review status: criteria provided, single submitter. Criteria: ACMG Guidelines, 2015. Collection method: clinical testing. Allele origin: germline. Inheritance: Autosomal dominant inheritance. Affected: yes.
Comment: Based on the classification scheme VCGS_Germline_v1.3.4, this variant is classified as Pathogenic. Following criteria are met: 0104 - Dominant negative is a suggested mechanism of disease in this gene and is associated with Coffin-Siris syndrome 10 (MIM#618506). Functional studies in transfected cells expressing both wild type and variant protein showed a significant reduction in wild type protein activity (PMID: 35232796). Other functional studies have suggested that loss of function may also be a mechanism of disease (PMID: 35232796). (I) 0107 - This gene is associated with autosomal dominant disease. (I) 0204 - Variant is predicted to result in a truncated protein (premature termination codon is NOT located at least 54 nucleotides upstream of the final exon-exon junction) with at least 1/3 of the protein sequence affected. (SP) 0251 - This variant is heterozygous. (I) 0301 - Variant is absent from gnomAD (both v2 and v3). (SP) 0600 - Variant truncates the annotated C-terminal transactivation domain (PMID: 36834931). (I) 0701 - Other truncating variants comparable to the one identified in this case have very strong previous evidence for pathogenicity. Five downstream truncating variants have been observed in individuals with syndromic developmental delay, including four that were confirmed to be de novo (ClinVar, DECIPHER, PMID: 35232796). (SP) 0807 - This variant has no previous evidence of pathogenicity. (I) 0905 - No published segregation evidence has been identified for this variant. (I) 1007 - No published functional evidence has been identified for this variant. (I) 1208 - Inheritance information for this variant is not currently available in this individual. (I) Legend: (SP) - Supporting pathogenic, (I) - Information, (SB) - Supporting benign

Literature cited by the submitters: PubMed 35232796; PubMed 36834931.

NM_003107.3(SOX4):c.386_390del (p.Arg129fs)

Gene: SOX4 (SRY-box transcription factor 4; plus strand). Cytogenetic location: 6p22.3.
Variant type: Deletion.
Coding change: c.386_390del on transcript NM_003107.3 (MANE Select); coding-DNA positions 386 to 390, 5 bases deleted (GGCCC; older notation c.386_390delGGCCC).
Protein change: p.Arg129fs; shifts the reading frame from arginine 129.
Molecular consequence: frameshift variant.
Genome position (GRCh38, 1-based): chr6:21,594,920-21,594,924, GGCCC deleted; deleting any 5 consecutive bases within chr6:21,594,918-21,594,924 gives the same sequence; the c. name uses the placement nearest the transcript's 3' end. VCF-style (leftmost placement, unchanged base first): chr6-21594917-ACCGGC-A. GRCh37 (hg19) VCF-style: chr6-21595148-ACCGGC-A.
Other names: short protein forms R129fs.
Identifiers: ClinVar variation 3254650 (VCV003254650.1), dbSNP rs2532639544.